The following is an entry in ClinVar:

ClinVar aggregate classification (germline): Uncertain significance (1 of 4 stars; one submission).

Submission:

Dasa
Classification: Uncertain significance. Last evaluated: 2025-12-09. Review status: criteria provided, single submitter. Criteria: DASA Assertion Criteria. Collection method: clinical testing. Allele origin: germline.
Comment: NM_130810.4(DNAAF4):c.639G>C (p.Gly213=) is a synonymous variant predicted not to alter the encoded amino acid sequence. This variant is rare in population databases. Computational prediction algorithms are consistent with a deleterious effect. The currently available literature and clinical evidence are not sufficient to establish a definitive association between this variant and the reported condition. Therefore, this variant is classified as a variant of uncertain significance.

NM_130810.4(DNAAF4):c.639G>C (p.Gly213=)

Genes: DNAAF4 (dynein axonemal assembly factor 4; minus strand), DNAAF4-CCPG1 (DNAAF4-CCPG1 readthrough (NMD candidate); minus strand). Cytogenetic location: 15q21.3.
Variant type: single nucleotide variant.
Coding change: c.639G>C on transcript NM_130810.4 (MANE Select); coding-DNA position 639, G replaced by C.
Protein change: p.Gly213=; no amino-acid change (glycine 213 retained).
Molecular consequence: synonymous variant. On other transcripts: non-coding transcript variant (1).
Genome position (GRCh38, 1-based): chr15:55,450,366, C>G on the plus strand (G>C on the coding strand, the complement: DNAAF4 is on the minus strand). VCF-style: chr15-55450366-C-G. GRCh37 (hg19) VCF-style: chr15-55742564-C-G.
Other names: c.639G>C, p.Gly213= (NM_001033559.3, NM_001033560.2).
Identifiers: ClinVar variation 4883113 (VCV004883113.2).
Genomic context (GRCh38, chr15:55,450,366, plus strand): 5'-GCGAGGAGCAGGAATACTGTCTTCCTTTAACTTCTCAGTAAATATATTTTCTGAATTTCT[C>G]CCTTCAAAAACAATGGTAGCAAACAAGTCACTTATTTCTCATTTTCTAGTTAACAATCAA-3'
Protein context (NP_570722.2, residues 203-223): NLASRNLAPK[Gly213=]RNSENIFTEK